The following is an entry in ClinVar:

NC_000014.8:g.(?_88852143)_(89343774_?)dup

Genes: PTPN21 (protein tyrosine phosphatase non-receptor type 21; minus strand), SPATA7 (spermatogenesis associated 7; plus strand), EML5 (EMAP like 5; minus strand), TTC8 (tetratricopeptide repeat domain 8; plus strand), ZC3H14 (zinc finger CCCH-type containing 14; plus strand) and 10 more. Cytogenetic location: 14q31.3.
Variant type: Duplication.
Identifiers: ClinVar variation 645863 (VCV000645863.1).

ClinVar aggregate classification (germline): Uncertain significance (1 of 4 stars; one submission).

Conditions:
Bardet-Biedl syndrome (BBS). Identifiers: Orphanet 110, MedGen C0752166, MONDO:0015229.

Submission:

Labcorp Genetics (formerly Invitae), Labcorp
Classification: Uncertain significance for Bardet-Biedl syndrome. Last evaluated: 2018-11-04. Review status: criteria provided, single submitter. Criteria: Invitae Variant Classification Sherloc (09022015). Collection method: clinical testing. Allele origin: germline.
Comment: This variant results in a copy number gain of the genomic region encompassing the full coding sequence of the TTC8 gene. The boundaries of this event are unknown as they extend beyond the assayed region for this gene and therefore may encompass additional genes. As the precise location of this event is unknown, it may be in tandem or it may be located elsewhere in the genome. This variant has not been reported in the literature in individuals with TTC8-related disease. In summary, the available evidence is currently insufficient to determine the role of this variant in disease. Therefore, it has been classified as a Variant of Uncertain Significance.